The following is an entry in ClinVar:

ClinVar aggregate classification (germline): Uncertain significance (1 of 4 stars; one submission).

Allele frequency attached by ClinVar (database versions not stated): gnomAD 0.00001; gnomAD exomes 0.00001 and 0.00002; TOPMed 0.00001.
gnomAD v4.1: 29 of 1,578,760 alleles (0.0018%); highest among the groups gnomAD compares: Non-Finnish European, 0.0025%; no homozygotes.

Submission:

Labcorp Genetics (formerly Invitae), Labcorp
Classification: Uncertain significance. Last evaluated: 2022-01-13. Review status: criteria provided, single submitter. Criteria: Invitae Variant Classification Sherloc (09022015). Collection method: clinical testing. Allele origin: germline.
Comment: This sequence change replaces lysine, which is basic and polar, with arginine, which is basic and polar, at codon 281 of the EPS8L2 protein (p.Lys281Arg). The frequency data for this variant in the population databases is considered unreliable, as metrics indicate poor data quality at this position in the gnomAD database. This variant has not been reported in the literature in individuals affected with EPS8L2-related conditions. Algorithms developed to predict the effect of missense changes on protein structure and function output the following: SIFT: "Tolerated"; PolyPhen-2: "Benign"; Align-GVGD: "Class C0". The arginine amino acid residue is found in multiple mammalian species, which suggests that this missense change does not adversely affect protein function. In summary, the available evidence is currently insufficient to determine the role of this variant in disease. Therefore, it has been classified as a Variant of Uncertain Significance.

NM_022772.4(EPS8L2):c.842A>G (p.Lys281Arg)

Gene: EPS8L2 (EPS8 signaling adaptor L2; plus strand). Cytogenetic location: 11p15.5.
Variant type: single nucleotide variant.
Coding change: c.842A>G on transcript NM_022772.4 (MANE Select); coding-DNA position 842, A replaced by G.
Protein change: p.Lys281Arg; replaces lysine 281 with arginine.
Molecular consequence: missense variant.
Genome position (GRCh38, 1-based): chr11:721,638, A>G. VCF-style: chr11-721638-A-G. GRCh37 (hg19) VCF-style: chr11-721638-A-G.
Other names: short protein forms K281R.
Identifiers: ClinVar variation 1447163 (VCV001447163.5), dbSNP rs898321793, ClinGen allele CA216939777.